The following is an entry in ClinVar:

ClinVar aggregate classification (germline): Uncertain significance. Review status: criteria provided, multiple submitters, no conflicts (2 of 4 stars). 2 submissions from 2 submitters: Uncertain significance (2). Last evaluated 2025-02-06.

Allele frequency attached by ClinVar (database versions not stated): ExAC 0.00001; gnomAD 0.00001; gnomAD exomes 0.00001 and 0.00003; TOPMed 0.00003.
gnomAD v4.1: 22 of 1,611,528 alleles (0.0014%); highest among the groups gnomAD compares: Non-Finnish European, 0.00025%; no homozygotes.

Submissions (2):

Labcorp Genetics (formerly Invitae), Labcorp
Classification: Uncertain significance. Last evaluated: 2025-02-06. Review status: criteria provided, single submitter. Criteria: Invitae Variant Classification Sherloc (09022015). Collection method: clinical testing. Allele origin: germline.
Comment: This sequence change replaces glutamine, which is neutral and polar, with glutamic acid, which is acidic and polar, at codon 659 of the TAOK2 protein (p.Gln659Glu). This variant is present in population databases (rs779412253, gnomAD 0.04%). This variant has not been reported in the literature in individuals affected with TAOK2-related conditions. ClinVar contains an entry for this variant (Variation ID: 1417597). An algorithm developed to predict the effect of missense changes on protein structure and function (PolyPhen-2) suggests that this variant is likely to be tolerated. In summary, the available evidence is currently insufficient to determine the role of this variant in disease. Therefore, it has been classified as a Variant of Uncertain Significance.

Ambry Genetics
Classification: Uncertain significance. Last evaluated: 2024-10-08. Review status: criteria provided, single submitter. Criteria: Ambry Variant Classification Scheme 2023. Collection method: clinical testing. Allele origin: germline.

NM_016151.4(TAOK2):c.1975C>G (p.Gln659Glu)

Gene: TAOK2 (TAO kinase 2; plus strand). Cytogenetic location: 16p11.2.
Variant type: single nucleotide variant.
Coding change: c.1975C>G on transcript NM_016151.4 (MANE Select); coding-DNA position 1975, C replaced by G.
Protein change: p.Gln659Glu; replaces glutamine 659 with glutamic acid.
Molecular consequence: missense variant.
Genome position (GRCh38, 1-based): chr16:29,985,844, C>G. VCF-style: chr16-29985844-C-G. GRCh37 (hg19) VCF-style: chr16-29997165-C-G.
Other names: c.1975C>G (NM_016151.2); c.1975C>G, p.Gln659Glu (NM_001252043.2, NM_004783.4); short protein forms Q659E.
Identifiers: ClinVar variation 1417597 (VCV001417597.9), dbSNP rs779412253, ClinGen allele CA7998266.